The following is an entry in ClinVar:

NM_005027.4(PIK3R2):c.454G>T (p.Ala152Ser)

Gene: PIK3R2 (phosphoinositide-3-kinase regulatory subunit 2; plus strand). Cytogenetic location: 19p13.11.
Variant type: single nucleotide variant.
Coding change: c.454G>T on transcript NM_005027.4 (MANE Select); coding-DNA position 454, G replaced by T.
Protein change: p.Ala152Ser; replaces alanine 152 with serine.
Molecular consequence: missense variant. On other transcripts: non-coding transcript variant (2).
Genome position (GRCh38, 1-based): chr19:18,160,957, G>T. VCF-style: chr19-18160957-G-T. GRCh37 (hg19) VCF-style: chr19-18271767-G-T.
Other names: short protein forms A152S.
Identifiers: ClinVar variation 4875281 (VCV004875281.2).
Genomic context (GRCh38, chr19:18,160,957, plus strand): 5'-CGCCTGTCCCCTTCACCCCCAGGGCTGGACAGCGAATCTCACTACCGCCCGGAGCTGCCC[G>T]CACCGCGTACAGGTGAAGGGGAGCCTCAATGGGGTTGGGAGGAGGCTGGGGGCCCCAGTA-3'
Protein context (NP_005018.2, residues 142-162): SESHYRPELP[Ala152Ser]PRTDWSLSDV

ClinVar aggregate classification (germline): Likely benign (1 of 4 stars; one submission).

gnomAD v4.1: 2 of 1,612,290 alleles (0.00012%); highest among the groups gnomAD compares: Admixed American, 0.0017%; no homozygotes.

Submission:

CeGaT Center for Human Genetics Tuebingen
Classification: Likely benign. Last evaluated: 2026-06-01. Review status: criteria provided, single submitter. Criteria: CeGaT Center For Human Genetics Tuebingen Variant Classification Criteria Version 2. Collection method: clinical testing. Allele origin: germline. Affected: yes. Observed: 1 variant allele.
Comment: PIK3R2: BP4